The following is an entry in ClinVar:

NM_001388492.1(HTT):c.3517A>G (p.Thr1173Ala)

Gene: HTT (huntingtin; plus strand). Cytogenetic location: 4p16.3.
Variant type: single nucleotide variant.
Coding change: c.3517A>G on transcript NM_001388492.1 (MANE Select); coding-DNA position 3517, A replaced by G.
Protein change: p.Thr1173Ala; replaces threonine 1173 with alanine.
Molecular consequence: missense variant.
Genome position (GRCh38, 1-based): chr4:3,154,311, A>G. VCF-style: chr4-3154311-A-G. GRCh37 (hg19) VCF-style: chr4-3156038-A-G.
Other names: c.3523A>G, p.Thr1175Ala (NM_002111.8); short protein forms T1173A, T1175A.
Identifiers: ClinVar variation 1662784 (VCV001662784.18), dbSNP rs3025843, ClinGen allele CA2824170.
Genomic context (GRCh38, chr4:3,154,311, plus strand): 5'-GTTTTTGTTTTTTTGTTTTTTGTTTTTGTTTTTCTATTTTAGGCAGCCTTGCCTTCTCTA[A>G]CAAACCCCCCTTCTCTAAGTCCCATCCGACGAAAGGGGAAGGAGAAAGAACCAGGAGAAC-3'
Protein context (NP_001375421.1, residues 1163-1183): PAIKAALPSL[Thr1173Ala]NPPSLSPIRR

ClinVar aggregate classification (germline): Benign. Review status: criteria provided, multiple submitters, no conflicts (2 of 4 stars). 3 submissions from 3 submitters: Benign (3). Last evaluated 2025-08-21.

Allele frequency attached by ClinVar (database versions not stated): gnomAD exomes 0.00189; ExAC 0.00536; 1000 Genomes Project 0.00679; 1000 Genomes Project 30x 0.00718; gnomAD 0.00820 and 0.00888; ESP Exome Variant Server 0.00866; TOPMed 0.00915.
gnomAD v4.1: 2,342 of 1,599,602 alleles (0.15%); highest among the groups gnomAD compares: African/African-American, 2.9%; 41 homozygotes.

Submissions (10):

Labcorp Genetics (formerly Invitae), Labcorp
Classification: Benign. Last evaluated: 2025-08-21. Review status: criteria provided, single submitter. Criteria: Invitae Variant Classification Sherloc (09022015). Collection method: clinical testing. Allele origin: germline.

CeGaT Center for Human Genetics Tuebingen
Classification: Benign. Last evaluated: 2025-07-01. Review status: criteria provided, single submitter. Criteria: CeGaT Center For Human Genetics Tuebingen Variant Classification Criteria Version 2. Collection method: clinical testing. Allele origin: germline. Affected: yes. Observed: 1 variant allele.
Comment: HTT: BS1, BS2

Breakthrough Genomics
Classification: Benign. Review status: criteria provided, single submitter. Criteria: ACMG Guidelines, 2015. Collection method: not provided. Allele origin: germline. Inheritance: Autosomal recessive inheritance. Affected: yes.

Dr. Peter K. Rogan Lab, Western University
No classification provided (evidence only). Condition: Clear cell carcinoma of kidney. Review status: no classification provided. Collection method: in vitro. Allele origin: not applicable. Functional consequence: retained intron. Not counted in ClinVar's aggregate classification.

Dr. Peter K. Rogan Lab, Western University
No classification provided (evidence only). Condition: Lung cancer. Review status: no classification provided. Collection method: in vitro. Allele origin: not applicable. Functional consequence: retained intron. Not counted in ClinVar's aggregate classification.

Dr. Peter K. Rogan Lab, Western University
No classification provided (evidence only). Condition: Thyroid cancer, nonmedullary, 1. Review status: no classification provided. Collection method: in vitro. Allele origin: not applicable. Functional consequence: retained intron. Not counted in ClinVar's aggregate classification.

Dr. Peter K. Rogan Lab, Western University
No classification provided (evidence only). Condition: Uterine corpus endometrial carcinoma. Review status: no classification provided. Collection method: in vitro. Allele origin: not applicable. Functional consequence: retained intron. Not counted in ClinVar's aggregate classification.

Dr. Peter K. Rogan Lab, Western University
No classification provided (evidence only). Condition: Uterine corpus endometrial carcinoma. Review status: no classification provided. Collection method: in vitro. Allele origin: not applicable. Functional consequence: skipped exon, retained intron. Not counted in ClinVar's aggregate classification.

Dr. Peter K. Rogan Lab, Western University
No classification provided (evidence only). Condition: Sarcoma. Review status: no classification provided. Collection method: in vitro. Allele origin: not applicable. Functional consequence: retained intron. Not counted in ClinVar's aggregate classification.

Dr. Peter K. Rogan Lab, Western University
No classification provided (evidence only). Condition: Hepatocellular carcinoma. Review status: no classification provided. Collection method: in vitro. Allele origin: not applicable. Functional consequence: retained intron. Not counted in ClinVar's aggregate classification.